The following is an entry in ClinVar:

NM_001009944.3(PKD1):c.4414A>T (p.Lys1472Ter)

Gene: PKD1 (polycystin 1, transient receptor potential channel interacting; minus strand). Cytogenetic location: 16p13.3.
Variant type: single nucleotide variant.
Coding change: c.4414A>T on transcript NM_001009944.3 (MANE Select); coding-DNA position 4414, A replaced by T.
Protein change: p.Lys1472Ter; replaces lysine 1472 with a stop codon.
Molecular consequence: nonsense.
Genome position (GRCh38, 1-based): chr16:2,110,753, T>A on the plus strand (A>T on the coding strand, the complement: PKD1 is on the minus strand). VCF-style: chr16-2110753-T-A. GRCh37 (hg19) VCF-style: chr16-2160754-T-A.
Other names: c.4414A>T, p.Lys1472Ter (NM_000296.4); short protein forms K1472*.
Identifiers: ClinVar variation 4857265 (VCV004857265.1).

ClinVar aggregate classification (germline): Pathogenic (1 of 4 stars; one submission).

Conditions:
Polycystic kidney disease, adult type (PKD1). Also called: POLYCYSTIC KIDNEY DISEASE, ADULT, TYPE I; Polycystic Kidney Disease 1, Autosomal Dominant; Polycystic kidney disease 1; Polycystic kidney disease 1, severe; Polycystic Kidney, Autosomal Dominant; POLYCYSTIC KIDNEY DISEASE 1 WITH OR WITHOUT POLYCYSTIC LIVER DISEASE. Identifiers: MedGen C3149841, MONDO:0008263, OMIM 173900.

Submission:

MVZ Medizinische Genetik Mainz
Classification: Pathogenic for Polycystic kidney disease, adult type. Last evaluated: 2025-06-05. Review status: criteria provided, single submitter. Criteria: UK Practice Guidelines For Variant Classification V4 01 2020. Collection method: clinical testing. Allele origin: germline. Inheritance: Autosomal dominant inheritance. Affected: yes. Observed: 1 variant allele.
Comment: ACMG Criteria: PVS1,PS4_SUP,PM2_SUP,PP4